The following is an entry in ClinVar:

NM_001148.6(ANK2):c.5516C>A (p.Thr1839Asn)

Genes: ANK2 (ankyrin 2; plus strand), LOC126807136 (MED14-independent group 3 enhancer GRCh37_chr4:114274931-114276130; plus strand). Cytogenetic location: 4q26.
Variant type: single nucleotide variant.
Coding change: c.5516C>A on transcript NM_001148.6 (MANE Select); coding-DNA position 5516, C replaced by A.
Protein change: p.Thr1839Asn; replaces threonine 1839 with asparagine.
Molecular consequence: missense variant. On other transcripts: intron variant (68).
Genome position (GRCh38, 1-based): chr4:113,354,134, C>A. VCF-style: chr4-113354134-C-A. GRCh37 (hg19) VCF-style: chr4-114275290-C-A.
Other names: c.5282C>A, p.Thr1761Asn (NM_001386142.1); c.1916C>A, p.Thr639Asn (NM_001386166.1); c.5657C>A, p.Thr1886Asn (NM_001386174.1); c.5633C>A, p.Thr1878Asn (NM_001386175.1); c.4411+3885C>A (NM_001386186.2, NM_001386148.2); c.4213+3885C>A (NM_001354269.3); c.4291+3885C>A (NM_001386187.2); c.4252+3885C>A (NM_001386147.1); and 35 more; short protein forms T1761N, T1886N, T1839N, T1878N, T639N.
Identifiers: ClinVar variation 4736917 (VCV004736917.1).
Genomic context (GRCh38, chr4:113,354,134, plus strand): 5'-CGCCAGGGTCTCCCTCCCCTAAAACAGAAAGACACTCTACTCTTTCCTCTTCCGCAAAAA[C>A]TGAAAGGCACCCTCCAGTATCACCATCAAGTAAAACTGAGAAACACTCACCTGTGTCACC-3'
Protein context (NP_001139.3, residues 1829-1849): RHSTLSSSAK[Thr1839Asn]ERHPPVSPSS

ClinVar aggregate classification (germline): Uncertain significance (1 of 4 stars; one submission).

Conditions:
Long QT syndrome (LQTS). Identifiers: MedGen C0023976, MeSH D008133, MONDO:0002442. Disease mechanism: loss of function. Inheritance: Various modes of inheritance.

gnomAD v4.1: 2 of 1,614,028 alleles (0.00012%); highest among the groups gnomAD compares: East Asian, 0.0045%; no homozygotes.

Submission:

Labcorp Genetics (formerly Invitae), Labcorp
Classification: Uncertain significance for Long QT syndrome. Last evaluated: 2025-12-22. Review status: criteria provided, single submitter. Criteria: Invitae Variant Classification Sherloc (09022015). Collection method: clinical testing. Allele origin: germline.
Comment: This sequence change replaces threonine, which is neutral and polar, with asparagine, which is neutral and polar, at codon 1839 of the ANK2 protein (p.Thr1839Asn). This variant is not present in population databases (gnomAD no frequency). This variant has not been reported in the literature in individuals affected with ANK2-related conditions. An algorithm developed to predict the effect of missense changes on protein structure and function (PolyPhen-2) suggests that this variant is likely to be tolerated. In summary, the available evidence is currently insufficient to determine the role of this variant in disease. Therefore, it has been classified as a Variant of Uncertain Significance.